The following is an entry in ClinVar:

ClinVar aggregate classification (germline): Benign/Likely benign. Review status: criteria provided, multiple submitters, no conflicts (2 of 4 stars). 3 submissions from 3 submitters: Benign (1); Likely benign (2). Last evaluated 2026-06-16.

Conditions:
Polyps, multiple and recurrent inflammatory fibroid, gastrointestinal. Identifiers: MedGen C5193005, MONDO:0008285, OMIM 175510.
Hereditary cancer-predisposing syndrome. Also called: Neoplastic Syndromes, Hereditary; Hereditary neoplastic syndrome; Hereditary Cancer Syndrome; Tumor predisposition. Identifiers: Orphanet 140162, MedGen C0027672, MeSH D009386, MONDO:0015356.
Gastrointestinal stromal tumor. Also called: Gastrointestinal stromal tumor, somatic; Gastrointestinal stroma tumor. Identifiers: Orphanet 44890, MedGen C0238198, MeSH D046152, MONDO:0011719, OMIM 606764, HP:0100723.

Submissions (3):

Myriad Genetics, Inc.
Classification: Benign for Polyps, multiple and recurrent inflammatory fibroid, gastrointestinal. Last evaluated: 2026-06-16. Review status: criteria provided, single submitter. Criteria: Myriad Autosomal Dominant, Autosomal Recessive and X-Linked Classification Criteria (2023). Collection method: clinical testing. Allele origin: unknown.
Comment: This variant is considered benign. This variant is a silent/synonymous amino acid change and it is not expected to impact splicing.

Labcorp Genetics (formerly Invitae), Labcorp
Classification: Likely benign for Gastrointestinal stromal tumor. Last evaluated: 2025-12-03. Review status: criteria provided, single submitter. Criteria: Invitae Variant Classification Sherloc (09022015). Collection method: clinical testing. Allele origin: germline.

Ambry Genetics
Classification: Likely benign for Hereditary cancer-predisposing syndrome. Last evaluated: 2023-02-27. Review status: criteria provided, single submitter. Criteria: Ambry Variant Classification Scheme 2023. Collection method: clinical testing. Allele origin: germline.

NM_006206.6(PDGFRA):c.318G>A (p.Gln106=)

Gene: PDGFRA (platelet derived growth factor receptor alpha; plus strand). Cytogenetic location: 4q12.
Variant type: single nucleotide variant.
Coding change: c.318G>A on transcript NM_006206.6 (MANE Select); coding-DNA position 318, G replaced by A.
Protein change: p.Gln106=; no amino-acid change (glutamine 106 retained).
Molecular consequence: synonymous variant.
Genome position (GRCh38, 1-based): chr4:54,261,363, G>A. VCF-style: chr4-54261363-G-A. GRCh37 (hg19) VCF-style: chr4-55127530-G-A.
Other names: c.318G>A, p.Gln106= (NM_001347827.2, NM_001347829.2); c.393G>A, p.Gln131= (NM_001347828.2); c.357G>A, p.Gln119= (NM_001347830.2).
Identifiers: ClinVar variation 240345 (VCV000240345.11), dbSNP rs878854828, ClinGen allele CA10582228.
Genomic context (GRCh38, chr4:54,261,363, plus strand): 5'-AGTGAGCAGTGCCTCGGCGGCCCACACAGGGTTGTACACTTGCTATTACAACCACACTCA[G>A]ACAGAAGAGAATGAGCTTGAAGGCAGGCACATTTACATCTATGTGCCAGGTGAGTTGGCT-3'
Protein context (NP_006197.1, residues 96-116): GLYTCYYNHT[Gln106=]TEENELEGRH